The following is an entry in ClinVar:

Single allele

Genes: IGH (immunoglobulin heavy locus; minus strand), IGHA1 (immunoglobulin heavy constant alpha 1; minus strand), IGHA2 (immunoglobulin heavy constant alpha 2 (A2m marker); minus strand), IGHD (immunoglobulin heavy constant delta; minus strand), IGHD3-3 (immunoglobulin heavy diversity 3-3; minus strand) and 7 more. Cytogenetic location: 14q32.33.
Variant type: Duplication.
Identifiers: ClinVar variation 157325 (VCV000157325.2).

ClinVar aggregate classification (germline): not provided (0 of 4 stars; one submission).

Conditions:
Normal pregnancy. Identifiers: MedGen C0232989.

Submission:

Institute of Molecular and Cell Biology, University of Tartu
No classification provided. Condition: Normal pregnancy. Review status: no classification provided. Collection method: case-control. Allele origin: unknown. Affected: yes. Study: Kasak2014.
Comment: The study aimed to determine the contribution of copy number variants in the genetic etiology of normal and complicated pregnancies. The samples represented (i) maternal blood DNA drawn from healthy pregnant women during 1st or 2nd trimester and (ii) maternal and paternal blood DNA drawn at term pregnancy cases representing normal and complicated gestations (severe preeclampsia, PE; gestational diabetes, GD; small-for-gestational age newborn, SGA; large-for-gestational age newborn, LGA). We performed CNV calling based on genome-wide genotyping dataset (Illumina HumanOmniExpress-24-v1 BeadChip) by applying three algorithms, QuantiSNP, GADA (Genome Alteration Detection Algorithm) and CNstream in parallel. The acquired CNV calls were merged with HD-CNV (Hotspot Detector for Copy Number Variants) program and only the CNVs predicted by at least two programs, were considered in subsequent analysis.

Literature cited by the submitters: PubMed 25666259.